The following is an entry in ClinVar:

ClinVar aggregate classification (germline): Benign. Review status: criteria provided, multiple submitters, no conflicts (2 of 4 stars). 2 submissions from 2 submitters: Benign (2). Last evaluated 2014-08-27.

Allele frequency attached by ClinVar (database versions not stated): ESP Exome Variant Server 0.00008; gnomAD exomes 0.00009 and 0.00002; ExAC 0.00008; gnomAD 0.00040 and 0.00038; 1000 Genomes Project 0.00060; TOPMed 0.00038; 1000 Genomes Project 30x 0.00062.
gnomAD v4.1: 94 of 1,613,520 alleles (0.0058%); highest among the groups gnomAD compares: African/African-American, 0.11%; no homozygotes.

Submissions (2):

GeneDx
Classification: Benign. Last evaluated: 2014-08-27. Review status: criteria provided, single submitter. Criteria: GeneDx Variant Classification (06012015). Collection method: clinical testing. Allele origin: germline. Affected: yes.
Comment: This variant is considered likely benign or benign based on one or more of the following criteria: it is a conservative change, it occurs at a poorly conserved position in the protein, it is predicted to be benign by multiple in silico algorithms, and/or has population frequency not consistent with disease.

Breakthrough Genomics
Classification: Benign. Review status: criteria provided, single submitter. Criteria: ACMG Guidelines, 2015. Collection method: not provided. Allele origin: germline. Inheritance: Autosomal recessive inheritance. Affected: yes.

NM_001199107.2(TBC1D24):c.-18C>T

Gene: TBC1D24 (TBC1 domain family member 24; plus strand). Cytogenetic location: 16p13.3.
Variant type: single nucleotide variant.
Coding change: c.-18C>T on transcript NM_001199107.2 (MANE Select); 18 bases upstream of the start codon, C replaced by T.
Molecular consequence: 5 prime UTR variant.
Genome position (GRCh38, 1-based): chr16:2,496,131, C>T. VCF-style: chr16-2496131-C-T. GRCh37 (hg19) VCF-style: chr16-2546132-C-T.
Other names: c.-18C>T (NM_020705.3).
Identifiers: ClinVar variation 207483 (VCV000207483.2), dbSNP rs373691424, ClinGen allele CA318988.